The following is an entry in ClinVar:

NM_001375380.1(EBF3):c.83G>A (p.Arg28His)

Gene: EBF3 (EBF transcription factor 3; minus strand). Cytogenetic location: 10q26.3.
Variant type: single nucleotide variant.
Coding change: c.83G>A on transcript NM_001375380.1 (MANE Select); coding-DNA position 83, G replaced by A.
Protein change: p.Arg28His; replaces arginine 28 with histidine.
Molecular consequence: missense variant.
Genome position (GRCh38, 1-based): chr10:129,963,686, C>T on the plus strand (G>A on the coding strand, the complement: EBF3 is on the minus strand). VCF-style: chr10-129963686-C-T. GRCh37 (hg19) VCF-style: chr10-131761950-C-T.
Other names: c.83G>A, p.Arg28His (NM_001005463.3, NM_001375379.1, NM_001375389.1 and 3 more transcripts); short protein forms R28H.
Identifiers: ClinVar variation 5037666 (VCV005037666.1).
Genomic context (GRCh38, chr10:129,963,686, plus strand): 5'-GGTACGTACCTCTGGGCGGCCGTGTTGGCGTCCACCACGCCCGCCGTGTGCATCCACGAG[C>T]GCACCGGGTTCATGCCGCTGCCCAGCGGCTCCTCCTTCATGGTCGTCCCCCCGCGCGGAA-3'
Protein context (NP_001362309.1, residues 18-38): EPLGSGMNPV[Arg28His]SWMHTAGVVD

ClinVar aggregate classification (germline): Uncertain significance (1 of 4 stars; one submission).

Submission:

GeneDx
Classification: Uncertain significance. Last evaluated: 2026-04-26. Review status: criteria provided, single submitter. Criteria: GeneDx Variant Classification Process June 2021. Collection method: clinical testing. Allele origin: germline.
Comment: In silico analysis supports that this missense variant has a deleterious effect on protein structure/function; Has not been previously published as pathogenic or benign to our knowledge